The following is an entry in ClinVar:

NM_016222.4(DDX41):c.19G>A (p.Glu7Lys)

Gene: DDX41 (DEAD-box helicase 41; minus strand). Cytogenetic location: 5q35.3.
Variant type: single nucleotide variant.
Coding change: c.19G>A on transcript NM_016222.4 (MANE Select); coding-DNA position 19, G replaced by A.
Protein change: p.Glu7Lys; replaces glutamic acid 7 with lysine.
Molecular consequence: missense variant. On other transcripts: 5 prime UTR variant (2).
Genome position (GRCh38, 1-based): chr5:177,516,927, C>T on the plus strand (G>A on the coding strand, the complement: DDX41 is on the minus strand). VCF-style: chr5-177516927-C-T. GRCh37 (hg19) VCF-style: chr5-176943928-C-T.
Other names: c.-637G>A (NM_001321732.2); c.-429G>A (NM_001321830.2); c.19G>A (NM_016222.2); short protein forms E7K.
Identifiers: ClinVar variation 1720276 (VCV001720276.6), dbSNP rs749405703, ClinGen allele CA3585436.

ClinVar aggregate classification (germline): Conflicting classifications of pathogenicity. Review status: criteria provided, conflicting classifications (1 of 4 stars). 2 submissions from 2 submitters: Uncertain significance (1); Likely benign (1). Last evaluated 2025-05-20.

Conditions:
Inborn genetic diseases. Identifiers: MedGen C0950123, MeSH D030342.

Allele frequency attached by ClinVar (database versions not stated): ExAC 0.00001.

Submissions (2):

Ambry Genetics
Classification: Likely benign for Inborn genetic diseases. Last evaluated: 2025-05-20. Review status: criteria provided, single submitter. Criteria: Ambry Variant Classification Scheme 2023. Collection method: clinical testing. Allele origin: germline.

Labcorp Genetics (formerly Invitae), Labcorp
Classification: Uncertain significance. Last evaluated: 2022-09-24. Review status: criteria provided, single submitter. Criteria: Invitae Variant Classification Sherloc (09022015). Collection method: clinical testing. Allele origin: germline.
Comment: This variant has not been reported in the literature in individuals affected with DDX41-related conditions. Algorithms developed to predict the effect of missense changes on protein structure and function are either unavailable or do not agree on the potential impact of this missense change (SIFT: "Not Available"; PolyPhen-2: "Benign"; Align-GVGD: "Not Available"). In summary, the available evidence is currently insufficient to determine the role of this variant in disease. Therefore, it has been classified as a Variant of Uncertain Significance. This variant is present in population databases (rs749405703, gnomAD 0.007%). This sequence change replaces glutamic acid, which is acidic and polar, with lysine, which is basic and polar, at codon 7 of the DDX41 protein (p.Glu7Lys).